The following is an entry in ClinVar:

NM_001378454.1(ALMS1):c.3401C>G (p.Thr1134Ser)

Gene: ALMS1 (ALMS1 centrosome and basal body associated protein; plus strand). Cytogenetic location: 2p13.1.
Variant type: single nucleotide variant.
Coding change: c.3401C>G on transcript NM_001378454.1 (MANE Select); coding-DNA position 3401, C replaced by G.
Protein change: p.Thr1134Ser; replaces threonine 1134 with serine.
Molecular consequence: missense variant.
Genome position (GRCh38, 1-based): chr2:73,449,928, C>G. VCF-style: chr2-73449928-C-G. GRCh37 (hg19) VCF-style: chr2-73677055-C-G.
Other names: c.3404C>G, p.Thr1135Ser (NM_015120.4); short protein forms T1134S, T1135S.
Identifiers: ClinVar variation 2175530 (VCV002175530.1), dbSNP rs371290786, ClinGen allele CA347275525.

ClinVar aggregate classification (germline): Uncertain significance (1 of 4 stars; one submission).

Conditions:
Alstrom syndrome (ALMS). Identifiers: Orphanet 64, MedGen C0268425, MONDO:0008763, OMIM 203800.

Allele frequency attached by ClinVar (database versions not stated): gnomAD exomes 0.00001.
gnomAD v4.1: 7 of 1,613,972 alleles (0.00043%); highest among the groups gnomAD compares: Non-Finnish European, 0.00059%; no homozygotes.

Submission:

Labcorp Genetics (formerly Invitae), Labcorp
Classification: Uncertain significance for Alstrom syndrome. Last evaluated: 2022-09-06. Review status: criteria provided, single submitter. Criteria: Invitae Variant Classification Sherloc (09022015). Collection method: clinical testing. Allele origin: germline.
Comment: This sequence change replaces threonine, which is neutral and polar, with serine, which is neutral and polar, at codon 1135 of the ALMS1 protein (p.Thr1135Ser). This variant is not present in population databases (gnomAD no frequency). This variant has not been reported in the literature in individuals affected with ALMS1-related conditions. Experimental studies and prediction algorithms are not available or were not evaluated, and the functional significance of this variant is currently unknown. In summary, the available evidence is currently insufficient to determine the role of this variant in disease. Therefore, it has been classified as a Variant of Uncertain Significance.